The following is an entry in ClinVar:

NM_172366.4(FBXO16):c.174C>G (p.Leu58=)

Gene: FBXO16 (F-box protein 16; minus strand). Cytogenetic location: 8p21.1.
Variant type: single nucleotide variant.
Coding change: c.174C>G on transcript NM_172366.4 (MANE Select); coding-DNA position 174, C replaced by G.
Protein change: p.Leu58=; no amino-acid change (leucine 58 retained).
Molecular consequence: synonymous variant.
Genome position (GRCh38, 1-based): chr8:28,463,780, G>C on the plus strand (C>G on the coding strand, the complement: FBXO16 is on the minus strand). VCF-style: chr8-28463780-G-C. GRCh37 (hg19) VCF-style: chr8-28321297-G-C.
Other names: c.138C>G, p.Leu46= (NM_001258211.2).
Identifiers: ClinVar variation 4873822 (VCV004873822.2).

ClinVar aggregate classification (germline): Likely benign (1 of 4 stars; one submission).

Submission:

CeGaT Center for Human Genetics Tuebingen
Classification: Likely benign. Last evaluated: 2026-05-01. Review status: criteria provided, single submitter. Criteria: CeGaT Center For Human Genetics Tuebingen Variant Classification Criteria Version 2. Collection method: clinical testing. Allele origin: germline. Affected: yes. Observed: 1 variant allele.
Comment: FBXO16: PM2:Supporting, BP4, BP7